The following is an entry in ClinVar:

ClinVar aggregate classification (germline): Uncertain significance. Review status: criteria provided, multiple submitters, no conflicts (2 of 4 stars). 2 submissions from 2 submitters: Uncertain significance (2). Last evaluated 2024-08-28.

Conditions:
Osteogenesis imperfecta type I (OI1). Also called: Lobstein disease; Osteogenesis imperfecta type 1; Lobstein's Disease; Classic Non-deforming Osteogenesis Imperfecta with Blue Sclerae; OI, TYPE I; OSTEOGENESIS IMPERFECTA TARDA. Identifiers: Orphanet 216796, Orphanet 666, MedGen C0023931, MONDO:0008146, OMIM 166200. Disease mechanism: loss of function.

Allele frequency attached by ClinVar (database versions not stated): TOPMed below 0.00001.
gnomAD v4.1: 1 of 1,613,364 alleles (0.000062%); highest among the groups gnomAD compares: Admixed American, 0.0017%; no homozygotes.

Submissions (2):

Labcorp Genetics (formerly Invitae), Labcorp
Classification: Uncertain significance for Osteogenesis imperfecta type I. Last evaluated: 2024-08-28. Review status: criteria provided, single submitter. Criteria: Invitae Variant Classification Sherloc (09022015). Collection method: clinical testing. Allele origin: germline.
Comment: This sequence change replaces proline, which is neutral and non-polar, with alanine, which is neutral and non-polar, at codon 451 of the COL1A1 protein (p.Pro451Ala). This variant is not present in population databases (gnomAD no frequency). This missense change has been observed in individual(s) with clinical features of COL1A1-related conditions (internal data). ClinVar contains an entry for this variant (Variation ID: 1024091). Experimental studies and prediction algorithms are not available or were not evaluated, and the functional significance of this variant is currently unknown. In summary, the available evidence is currently insufficient to determine the role of this variant in disease. Therefore, it has been classified as a Variant of Uncertain Significance.

ARUP Laboratories, Molecular Genetics and Genomics, ARUP Laboratories
Classification: Uncertain significance. Last evaluated: 2023-03-21. Review status: criteria provided, single submitter. Criteria: ARUP Molecular Germline Variant Investigation Process 2024. Collection method: clinical testing. Allele origin: germline.
Comment: The COL1A1 c.1351C>G; p.Pro451Ala variant (rs1907454557), to our knowledge, is not reported in the medical literature but is reported in ClinVar (Variation ID: 1024091). This variant is absent from the Genome Aggregation Database, indicating it is not a common polymorphism. Computational analyses are uncertain whether this variant is neutral or deleterious (REVEL: 0.377). Due to limited information, the clinical significance of this variant is uncertain at this time.

NM_000088.4(COL1A1):c.1351C>G (p.Pro451Ala)

Gene: COL1A1 (collagen type I alpha 1 chain; minus strand). Cytogenetic location: 17q21.33.
Variant type: single nucleotide variant.
Coding change: c.1351C>G on transcript NM_000088.4 (MANE Select); coding-DNA position 1351, C replaced by G.
Protein change: p.Pro451Ala; replaces proline 451 with alanine.
Molecular consequence: missense variant.
Genome position (GRCh38, 1-based): chr17:50,195,049, G>C on the plus strand (C>G on the coding strand, the complement: COL1A1 is on the minus strand). VCF-style: chr17-50195049-G-C. GRCh37 (hg19) VCF-style: chr17-48272410-G-C.
Other names: short protein forms P451A.
Identifiers: ClinVar variation 1024091 (VCV001024091.10), dbSNP rs1907454557, ClinGen allele CA400218501.
Genomic context (GRCh38, chr17:50,195,049, plus strand): 5'-CAGGGGGCTCCTAGGGCAGGGTGGGCTGGGCTGCAAGAAGGATGGCGGGGAGACTTACAG[G>C]CTCTCCCTTAGCACCAGTGTCTCCTTTGCTGCCAGGAGCACCAGGTTCACCCTGCAAGGG-3'
Protein context (NP_000079.2, residues 441-461): SKGDTGAKGE[Pro451Ala]GPVGVQGPPG